The following is an entry in ClinVar:

ClinVar aggregate classification (germline): Uncertain significance. Review status: criteria provided, multiple submitters, no conflicts (2 of 4 stars). 5 submissions from 5 submitters: Uncertain significance (5). Last evaluated 2025-07-31.

Conditions:
CACNA1A-related disorder. Also called: CACNA1A-related condition.
Developmental and epileptic encephalopathy, 42 (DEE42A). Also called: Epileptic encephalopathy, early infantile, 42; DEVELOPMENTAL AND EPILEPTIC ENCEPHALOPATHY 42A; EPILEPTIC ENCEPHALOPATHY, EARLY INFANTILE, 42A. Identifiers: MedGen C4310716, MONDO:0014917, OMIM 617106.
Episodic ataxia type 2 (EA2). Also called: ATAXIA, EPISODIC, WITH NYSTAGMUS; ATAXIA, FAMILIAL PAROXYSMAL; CEREBELLAR ATAXIA, PAROXYSMAL, ACETAZOLAMIDE-RESPONSIVE; CEREBELLOPATHY, HEREDITARY PAROXYSMAL; EPISODIC ATAXIA, NYSTAGMUS-ASSOCIATED; ACETAZOLAMIDE-RESPONSIVE HEREDITARY PAROXYSMAL CEREBELLAR ATAXIA. Identifiers: Orphanet 97, MedGen C1720416, MONDO:0007163, OMIM 108500.
Inborn genetic diseases. Identifiers: MedGen C0950123, MeSH D030342.

Allele frequency attached by ClinVar (database versions not stated): gnomAD 0.00001; gnomAD exomes 0.00001; TOPMed 0.00001.
gnomAD v4.1: 4 of 1,613,808 alleles (0.00025%); highest among the groups gnomAD compares: Non-Finnish European, 0.00034%; no homozygotes.

Submissions (5):

Labcorp Genetics (formerly Invitae), Labcorp
Classification: Uncertain significance for Developmental and epileptic encephalopathy, 42; Episodic ataxia type 2. Last evaluated: 2025-07-31. Review status: criteria provided, single submitter. Criteria: Invitae Variant Classification Sherloc (09022015). Collection method: clinical testing. Allele origin: germline.
Comment: This sequence change replaces valine, which is neutral and non-polar, with leucine, which is neutral and non-polar, at codon 1507 of the CACNA1A protein (p.Val1507Leu). This variant is not present in population databases (gnomAD no frequency). This variant has not been reported in the literature in individuals affected with CACNA1A-related conditions. ClinVar contains an entry for this variant (Variation ID: 848565). Invitae Evidence Modeling of protein sequence and biophysical properties (such as structural, functional, and spatial information, amino acid conservation, physicochemical variation, residue mobility, and thermodynamic stability) indicates that this missense variant is expected to disrupt CACNA1A protein function with a positive predictive value of 95%. In summary, the available evidence is currently insufficient to determine the role of this variant in disease. Therefore, it has been classified as a Variant of Uncertain Significance.

PreventionGenetics, part of Exact Sciences
Classification: Uncertain significance for CACNA1A-related condition. Last evaluated: 2025-05-09. Review status: criteria provided, single submitter. Criteria: ACMG Guidelines, 2015. Collection method: clinical testing. Allele origin: germline.
Comment: The CACNA1A c.4516G>T variant is predicted to result in the amino acid substitution p.Val1506Leu. To our knowledge, this variant has not been reported in the literature or in a large population database (gnomAD), indicating this variant is rare. At this time, the clinical significance of this variant is uncertain due to the absence of conclusive functional and genetic evidence.

Women's Health and Genetics/Laboratory Corporation of America, LabCorp
Classification: Uncertain significance. Last evaluated: 2024-06-10. Review status: criteria provided, single submitter. Criteria: LabCorp Variant Classification Summary - May 2015. Collection method: clinical testing. Allele origin: germline.
Comment: Variant summary: CACNA1A c.4519G>T (p.Val1507Leu) results in a conservative amino acid change located in the Ion transport domain (IPR005821) of the encoded protein sequence. Four of five in-silico tools predict a damaging effect of the variant on protein function. The variant was absent in 249252 control chromosomes. The available data on variant occurrences in the general population are insufficient to allow any conclusion about variant significance. To our knowledge, no occurrence of c.4519G>T in individuals affected with Epileptic Encephalopathy, Early Infantile, 42 and no experimental evidence demonstrating its impact on protein function have been reported. ClinVar contains an entry for this variant (Variation ID: 848565). Based on the evidence outlined above, the variant was classified as uncertain significance.

GeneDx
Classification: Uncertain significance. Last evaluated: 2023-09-29. Review status: criteria provided, single submitter. Criteria: GeneDx Variant Classification Process June 2021. Collection method: clinical testing. Allele origin: germline. Affected: yes.
Comment: Not observed at significant frequency in large population cohorts (gnomAD); In silico analysis supports that this missense variant has a deleterious effect on protein structure/function; Has not been previously published as pathogenic or benign to our knowledge

Ambry Genetics
Classification: Uncertain significance for Inborn genetic diseases. Last evaluated: 2019-12-02. Review status: criteria provided, single submitter. Criteria: Ambry Variant Classification Scheme 2023. Collection method: clinical testing. Allele origin: germline.
Comment: The p.V1507L variant (also known as c.4519G>T), located in coding exon 28 of the CACNA1A gene, results from a G to T substitution at nucleotide position 4519. The valine at codon 1507 is replaced by leucine, an amino acid with highly similar properties. This amino acid position is highly conserved in available vertebrate species. In addition, this alteration is predicted to be deleterious by in silico analysis. Since supporting evidence is limited at this time, the clinical significance of this alteration remains unclear.

NM_001127222.2(CACNA1A):c.4516G>T (p.Val1506Leu)

Gene: CACNA1A (calcium voltage-gated channel subunit alpha1 A; minus strand). Cytogenetic location: 19p13.13.
Variant type: single nucleotide variant.
Coding change: c.4516G>T on transcript NM_001127222.2 (MANE Select); coding-DNA position 4516, G replaced by T.
Protein change: p.Val1506Leu; replaces valine 1506 with leucine.
Molecular consequence: missense variant.
Genome position (GRCh38, 1-based): chr19:13,257,424, C>A on the plus strand (G>T on the coding strand, the complement: CACNA1A is on the minus strand). VCF-style: chr19-13257424-C-A. GRCh37 (hg19) VCF-style: chr19-13368238-C-A.
Other names: c.4528G>T, p.Val1510Leu (NM_000068.4, NM_023035.3); c.4519G>T, p.Val1507Leu (NM_001127221.2, NM_001174080.2); c.4516G>T (NM_001127222.1); short protein forms V1510L, V1506L, V1507L.
Identifiers: ClinVar variation 848565 (VCV000848565.16), dbSNP rs1322080885, ClinGen allele CA404338885.